The following is an entry in ClinVar:

NM_176787.5(PIGN):c.181G>T (p.Glu61Ter)

Gene: PIGN (phosphatidylinositol glycan anchor biosynthesis class N; minus strand). Cytogenetic location: 18q21.33.
Variant type: single nucleotide variant.
Coding change: c.181G>T on transcript NM_176787.5 (MANE Select); coding-DNA position 181, G replaced by T.
Protein change: p.Glu61Ter; replaces glutamic acid 61 with a stop codon.
Molecular consequence: nonsense.
Genome position (GRCh38, 1-based): chr18:62,161,173, C>A on the plus strand (G>T on the coding strand, the complement: PIGN is on the minus strand). VCF-style: chr18-62161173-C-A. GRCh37 (hg19) VCF-style: chr18-59828406-C-A.
Other names: c.181G>T, p.Glu61Ter (NM_012327.6); short protein forms E61*.
Identifiers: ClinVar variation 373038 (VCV000373038.7), dbSNP rs200199765, ClinGen allele CA8982647.
Genomic context (GRCh38, chr18:62,161,173, plus strand): 5'-GTATCAGTTTACATGCTTACCTAATAAACGGTGCTCTAGAGTTTCCATTTTCATCTAATT[C>A]GTAAAGTGCATCTGCTCGAAGGCCATCAGCAACAAACAACACTAATCTTCTCGCTGGAGG-3'

ClinVar aggregate classification (germline): Pathogenic. Review status: criteria provided, multiple submitters, no conflicts (2 of 4 stars). 3 submissions from 3 submitters: Pathogenic (3). Last evaluated 2026-01-20.

Conditions:
Multiple congenital anomalies-hypotonia-seizures syndrome 1 (MCAHS1). Also called: GLYCOSYLPHOSPHATIDYLINOSITOL BIOSYNTHESIS DEFECT 3; PIGN-CDG; Congenital disorder of glycosylation due to PIGN deficiency. Identifiers: Orphanet 280633, MedGen C3279775, MONDO:0013563, OMIM 614080.

Allele frequency attached by ClinVar (database versions not stated): ExAC 0.00001; TOPMed 0.00003; ESP Exome Variant Server 0.00008.
gnomAD v4.1: 29 of 1,613,408 alleles (0.0018%); highest among the groups gnomAD compares: Non-Finnish European, 0.0024%; no homozygotes.

Submissions (3):

GeneDx
Classification: Pathogenic. Last evaluated: 2026-01-20. Review status: criteria provided, single submitter. Criteria: GeneDx Variant Classification Process June 2021. Collection method: clinical testing. Allele origin: germline. Affected: yes.
Comment: Nonsense variant predicted to result in protein truncation or nonsense mediated decay in a gene for which loss of function is a known mechanism of disease; Not observed at significant frequency in large population cohorts (gnomAD); This variant is associated with the following publications: (PMID: 38523675, 29096607)

Labcorp Genetics (formerly Invitae), Labcorp
Classification: Pathogenic for Multiple congenital anomalies-hypotonia-seizures syndrome 1. Last evaluated: 2025-10-20. Review status: criteria provided, single submitter. Criteria: Invitae Variant Classification Sherloc (09022015). Collection method: clinical testing. Allele origin: germline.
Comment: This sequence change creates a premature translational stop signal (p.Glu61*) in the PIGN gene. It is expected to result in an absent or disrupted protein product. Loss-of-function variants in PIGN are known to be pathogenic (PMID: 24253414, 27038415). This variant is present in population databases (rs200199765, gnomAD 0.003%). This premature translational stop signal has been observed in individual(s) with PIGN-related conditions (PMID: 29096607). ClinVar contains an entry for this variant (Variation ID: 373038). For these reasons, this variant has been classified as Pathogenic.

Center for Pediatric Genomic Medicine, Children's Mercy Hospital and Clinics
Classification: Pathogenic. Last evaluated: 2017-10-04. Review status: criteria provided, single submitter. Criteria: ACMG Guidelines, 2015. Collection method: clinical testing. Allele origin: germline.

Literature cited by the submitters: PubMed 24253414 (cited by Labcorp Genetics (formerly Invitae), Labcorp); PubMed 27038415 (cited by Labcorp Genetics (formerly Invitae), Labcorp); PubMed 29096607 (cited by Labcorp Genetics (formerly Invitae), Labcorp).